The following is an entry in ClinVar:

NM_001394062.1(MACF1):c.13657T>C (p.Trp4553Arg)

Gene: MACF1 (microtubule actin crosslinking factor 1; plus strand). Cytogenetic location: 1p34.3.
Variant type: single nucleotide variant.
Coding change: c.13657T>C on transcript NM_001394062.1 (MANE Select); coding-DNA position 13657, T replaced by C.
Protein change: p.Trp4553Arg; replaces tryptophan 4553 with arginine.
Molecular consequence: missense variant.
Genome position (GRCh38, 1-based): chr1:39,381,961, T>C. VCF-style: chr1-39381961-T-C. GRCh37 (hg19) VCF-style: chr1-39847633-T-C.
Other names: c.7471T>C, p.Trp2491Arg (NM_012090.5); short protein forms W2491R, W4553R.
Identifiers: ClinVar variation 4624115 (VCV004624115.1).

ClinVar aggregate classification (germline): Uncertain significance (1 of 4 stars; one submission).

Conditions:
Inborn genetic diseases. Identifiers: MedGen C0950123, MeSH D030342.

gnomAD v4.1: 1 of 1,612,816 alleles (0.000062%); highest among the groups gnomAD compares: Non-Finnish European, 0.000085%; no homozygotes.

Submission:

Ambry Genetics
Classification: Uncertain significance for Inborn genetic diseases. Last evaluated: 2025-11-05. Review status: criteria provided, single submitter. Criteria: Ambry Variant Classification Scheme 2023. Collection method: clinical testing. Allele origin: germline.
Comment: The c.7471T>C (p.W2491R) alteration is located in exon 52 (coding exon 50) of the MACF1 gene. This alteration results from a T to C substitution at nucleotide position 7471, causing the tryptophan (W) at amino acid position 2491 to be replaced by an arginine (R). Based on data from gnomAD, the C allele has an overall frequency of <0.001% (1/251242) total alleles studied. The highest observed frequency was 0.001% (1/113736) of European (non-Finnish) alleles. Based on insufficient or conflicting evidence, the clinical significance of this alteration remains unclear.